The following is an entry in ClinVar:

ClinVar aggregate classification (germline): Likely benign (1 of 4 stars; one submission).

gnomAD v4.1: 407 of 1,604,514 alleles (0.025%); highest among the groups gnomAD compares: Non-Finnish European, 0.033%; no homozygotes.

Submission:

CeGaT Center for Human Genetics Tuebingen
Classification: Likely benign. Last evaluated: 2026-08-01. Review status: criteria provided, single submitter. Criteria: CeGaT Center For Human Genetics Tuebingen Variant Classification Criteria Version 2. Collection method: clinical testing. Allele origin: germline. Affected: yes. Observed: 1 variant allele.
Comment: PRKACB: BP4

NM_182948.4(PRKACB):c.458G>A (p.Arg153Gln)

Gene: PRKACB (protein kinase cAMP-activated catalytic subunit beta; plus strand). Cytogenetic location: 1p31.1.
Variant type: single nucleotide variant.
Coding change: c.458G>A on transcript NM_182948.4 (MANE Select); coding-DNA position 458, G replaced by A.
Protein change: p.Arg153Gln; replaces arginine 153 with glutamine.
Molecular consequence: missense variant. On other transcripts: intron variant (1).
Genome position (GRCh38, 1-based): chr1:84,184,116, G>A. VCF-style: chr1-84184116-G-A. GRCh37 (hg19) VCF-style: chr1-84649799-G-A.
Other names: c.335G>A, p.Arg112Gln (NM_001375571.1, NM_001242860.3, NM_001300915.2); c.329G>A, p.Arg110Gln (NM_001375572.1, NM_001242859.3); c.326G>A, p.Arg109Gln (NM_001375573.1, NM_001375575.1, NM_001375560.1); c.311G>A, p.Arg104Gln (NM_001375574.1, NM_001375577.1, NM_001375561.1); c.317G>A, p.Arg106Gln (NM_001375576.1, NM_002731.4, NM_207578.3); c.281G>A, p.Arg94Gln (NM_001375578.1, NM_001242858.3, NM_001300917.2); c.278G>A, p.Arg93Gln (NM_001375579.1, NM_001375580.1, NM_001242862.3 and 1 more transcripts); c.338G>A, p.Arg113Gln (NM_001242857.3, NM_001375569.1, NM_001375581.1); and 5 more; short protein forms R101Q, R102Q, R104Q, R105Q, R106Q, R109Q, R110Q, R112Q.
Identifiers: ClinVar variation 5038801 (VCV005038801.1).